The following is an entry in ClinVar:

NM_001852.4(COL9A2):c.1792+17G>A

Gene: COL9A2 (collagen type IX alpha 2 chain; minus strand). Cytogenetic location: 1p34.2.
Variant type: single nucleotide variant.
Coding change: c.1792+17G>A on transcript NM_001852.4 (MANE Select); 17 bases into the intron after coding-DNA position 1792, G replaced by A.
Molecular consequence: intron variant.
Genome position (GRCh38, 1-based): chr1:40,302,604, C>T on the plus strand (G>A on the coding strand, the complement: COL9A2 is on the minus strand). VCF-style: chr1-40302604-C-T. GRCh37 (hg19) VCF-style: chr1-40768276-C-T.
Identifiers: ClinVar variation 258377 (VCV000258377.13), dbSNP rs12038020, ClinGen allele CA791335.

ClinVar aggregate classification (germline): Benign. Review status: criteria provided, multiple submitters, no conflicts (2 of 4 stars). 6 submissions from 6 submitters: Benign (6). Last evaluated 2026-05-09.

Allele frequency attached by ClinVar (database versions not stated): gnomAD exomes 0.01138 and 0.03037; ESP Exome Variant Server 0.03488; gnomAD 0.04125 and 0.04130; ExAC 0.04529; TOPMed 0.04789; 1000 Genomes Project 0.06649; 1000 Genomes Project 30x 0.06715.
gnomAD v4.1: 23,111 of 1,590,078 alleles (1.5%); highest among the groups gnomAD compares: East Asian, 14%; 1,027 homozygotes.

Submissions (6):

Women's Health and Genetics/Laboratory Corporation of America, LabCorp
Classification: Benign. Last evaluated: 2026-05-09. Review status: criteria provided, single submitter. Criteria: LabCorp Variant Classification Summary - May 2015. Collection method: clinical testing. Allele origin: germline.

Labcorp Genetics (formerly Invitae), Labcorp
Classification: Benign. Last evaluated: 2026-02-02. Review status: criteria provided, single submitter. Criteria: Invitae Variant Classification Sherloc (09022015). Collection method: clinical testing. Allele origin: germline.

Blueprint Genetics
Classification: Benign. Last evaluated: 2024-11-26. Review status: criteria provided, single submitter. Criteria: ACMG Guidelines, 2015. Collection method: clinical testing. Allele origin: germline.

GeneDx
Classification: Benign. Last evaluated: 2016-12-11. Review status: criteria provided, single submitter. Criteria: GeneDx Variant Classification (06012015). Collection method: clinical testing. Allele origin: germline. Affected: yes.
Comment: This variant is considered likely benign or benign based on one or more of the following criteria: it is a conservative change, it occurs at a poorly conserved position in the protein, it is predicted to be benign by multiple in silico algorithms, and/or has population frequency not consistent with disease.

Breakthrough Genomics
Classification: Benign. Review status: criteria provided, single submitter. Criteria: ACMG Guidelines, 2015. Collection method: not provided. Allele origin: germline. Inheritance: Autosomal recessive inheritance. Affected: yes.

PreventionGenetics, part of Exact Sciences
Classification: Benign. Review status: criteria provided, single submitter. Criteria: ACMG Guidelines, 2015. Collection method: clinical testing. Allele origin: germline.